The following is an entry in ClinVar:

NM_014003.4(DHX38):c.3490C>T (p.Arg1164Trp)

Gene: DHX38 (DEAH-box helicase 38; plus strand). Cytogenetic location: 16q22.2.
Variant type: single nucleotide variant.
Coding change: c.3490C>T on transcript NM_014003.4 (MANE Select); coding-DNA position 3490, C replaced by T.
Protein change: p.Arg1164Trp; replaces arginine 1164 with tryptophan.
Molecular consequence: missense variant.
Genome position (GRCh38, 1-based): chr16:72,110,968, C>T. VCF-style: chr16-72110968-C-T. GRCh37 (hg19) VCF-style: chr16-72144867-C-T.
Other names: c.3490C>T (NM_014003.3); short protein forms R1164W.
Identifiers: ClinVar variation 1469003 (VCV001469003.6), dbSNP rs527587650, ClinGen allele CA8161017.

ClinVar aggregate classification (germline): Uncertain significance. Review status: criteria provided, multiple submitters, no conflicts (2 of 4 stars). 3 submissions from 3 submitters: Uncertain significance (3). Last evaluated 2025-08-03.

Allele frequency attached by ClinVar (database versions not stated): gnomAD 0.00001 and 0.00003; gnomAD exomes 0.00002; TOPMed 0.00003; ExAC 0.00009; 1000 Genomes Project 30x 0.00016; 1000 Genomes Project 0.00020.
gnomAD v4.1: 31 of 1,587,532 alleles (0.002%); highest among the groups gnomAD compares: South Asian, 0.0057%; no homozygotes.

Submissions (3):

Ambry Genetics
Classification: Uncertain significance. Last evaluated: 2025-08-03. Review status: criteria provided, single submitter. Criteria: Ambry Variant Classification Scheme 2023. Collection method: clinical testing. Allele origin: germline.

Blueprint Genetics
Classification: Uncertain significance. Last evaluated: 2024-03-20. Review status: criteria provided, single submitter. Criteria: ACMG Guidelines, 2015. Collection method: clinical testing. Allele origin: germline.

Labcorp Genetics (formerly Invitae), Labcorp
Classification: Uncertain significance. Last evaluated: 2022-05-03. Review status: criteria provided, single submitter. Criteria: Invitae Variant Classification Sherloc (09022015). Collection method: clinical testing. Allele origin: germline.
Comment: This sequence change replaces arginine, which is basic and polar, with tryptophan, which is neutral and slightly polar, at codon 1164 of the DHX38 protein (p.Arg1164Trp). The frequency data for this variant in the population databases is considered unreliable, as metrics indicate poor data quality at this position in the gnomAD database. This variant has not been reported in the literature in individuals affected with DHX38-related conditions. Algorithms developed to predict the effect of missense changes on protein structure and function (SIFT, PolyPhen-2, Align-GVGD) all suggest that this variant is likely to be disruptive. In summary, the available evidence is currently insufficient to determine the role of this variant in disease. Therefore, it has been classified as a Variant of Uncertain Significance.